The following is an entry in ClinVar:

ClinVar aggregate classification (germline): Benign/Likely benign. Review status: criteria provided, multiple submitters, no conflicts (2 of 4 stars). 5 submissions from 5 submitters: Benign (2); Likely benign (3). Last evaluated 2026-07-29.

Conditions:
Early-infantile DEE. Also called: Ohtahara syndrome; Early infantile epileptic encephalopathy; Early infantile epileptic encephalopathy with suppression bursts. Identifiers: Orphanet 1934, MedGen C0393706, MONDO:0800491.
Inborn genetic diseases. Identifiers: MedGen C0950123, MeSH D030342.
Developmental and epileptic encephalopathy, 5 (DEE5). Identifiers: Orphanet 3451, MedGen C3150731, MONDO:0013277, OMIM 613477.

Allele frequency attached by ClinVar (database versions not stated): gnomAD 0.00003; gnomAD exomes 0.00003 and 0.00002; ExAC 0.00002; TOPMed 0.00002.
gnomAD v4.1: 49 of 1,614,094 alleles (0.003%); highest among the groups gnomAD compares: Non-Finnish European, 0.0041%; no homozygotes.

Submissions (5):

Ambry Genetics
Classification: Likely benign for Inborn genetic diseases. Last evaluated: 2026-07-29. Review status: criteria provided, single submitter. Criteria: Ambry Variant Classification Scheme 2023. Collection method: clinical testing. Allele origin: germline.

CeGaT Center for Human Genetics Tuebingen
Classification: Likely benign. Last evaluated: 2026-05-01. Review status: criteria provided, single submitter. Criteria: CeGaT Center For Human Genetics Tuebingen Variant Classification Criteria Version 2. Collection method: clinical testing. Allele origin: germline. Affected: yes. Observed: 3 variant alleles.
Comment: SPTAN1: PP2, BP4, BS2

Labcorp Genetics (formerly Invitae), Labcorp
Classification: Benign for Early-infantile DEE. Last evaluated: 2025-02-04. Review status: criteria provided, single submitter. Criteria: Invitae Variant Classification Sherloc (09022015). Collection method: clinical testing. Allele origin: germline.

Genome-Nilou Lab
Classification: Benign for Developmental and epileptic encephalopathy, 5. Last evaluated: 2021-07-15. Review status: criteria provided, single submitter. Criteria: ACMG Guidelines, 2015. Collection method: clinical testing. Allele origin: germline. Affected: no.

GeneDx
Classification: Likely benign. Last evaluated: 2021-02-24. Review status: criteria provided, single submitter. Criteria: GeneDx Variant Classification Process June 2021. Collection method: clinical testing. Allele origin: germline. Affected: yes.

NM_001130438.3(SPTAN1):c.5239A>G (p.Ile1747Val)

Gene: SPTAN1 (spectrin alpha, non-erythrocytic 1; plus strand). Cytogenetic location: 9q34.11.
Variant type: single nucleotide variant.
Coding change: c.5239A>G on transcript NM_001130438.3 (MANE Select); coding-DNA position 5239, A replaced by G.
Protein change: p.Ile1747Val; replaces isoleucine 1747 with valine.
Molecular consequence: missense variant.
Genome position (GRCh38, 1-based): chr9:128,615,722, A>G. VCF-style: chr9-128615722-A-G. GRCh37 (hg19) VCF-style: chr9-131378001-A-G.
Other names: p.I1747V:ATC>GTC; c.5164A>G, p.Ile1722Val (NM_001195532.2); c.5239A>G, p.Ile1747Val (NM_001363759.2); c.5179A>G, p.Ile1727Val (NM_001363765.2); c.5224A>G, p.Ile1742Val (NM_003127.4); short protein forms I1747V, I1742V, I1722V, I1727V.
Identifiers: ClinVar variation 207343 (VCV000207343.43), dbSNP rs780622472, ClinGen allele CA318716.